The following is an entry in ClinVar:

ClinVar aggregate classification (germline): Uncertain significance. Review status: criteria provided, multiple submitters, no conflicts (2 of 4 stars). 2 submissions from 2 submitters: Uncertain significance (2). Last evaluated 2025-11-09.

Allele frequency attached by ClinVar (database versions not stated): gnomAD exomes 0.00001 and 0.00003; TOPMed 0.00005; ExAC 0.00006; gnomAD 0.00008 and 0.00009.

Submissions (2):

Labcorp Genetics (formerly Invitae), Labcorp
Classification: Uncertain significance. Last evaluated: 2025-11-09. Review status: criteria provided, single submitter. Criteria: Invitae Variant Classification Sherloc (09022015). Collection method: clinical testing. Allele origin: germline.
Comment: This sequence change replaces arginine, which is basic and polar, with histidine, which is basic and polar, at codon 807 of the A2ML1 protein (p.Arg807His). This variant is present in population databases (rs375671514, gnomAD 0.05%). This variant has not been reported in the literature in individuals affected with A2ML1-related conditions. ClinVar contains an entry for this variant (Variation ID: 843843). An algorithm developed to predict the effect of missense changes on protein structure and function (PolyPhen-2) suggests that this variant is likely to be tolerated. In summary, the available evidence is currently insufficient to determine the role of this variant in disease. Therefore, it has been classified as a Variant of Uncertain Significance.

Ambry Genetics
Classification: Uncertain significance. Last evaluated: 2025-08-20. Review status: criteria provided, single submitter. Criteria: Ambry Variant Classification Scheme 2023. Collection method: clinical testing. Allele origin: germline.

NM_144670.6(A2ML1):c.2420G>A (p.Arg807His)

Gene: A2ML1 (alpha-2-macroglobulin like 1; plus strand). Cytogenetic location: 12p13.31.
Variant type: single nucleotide variant.
Coding change: c.2420G>A on transcript NM_144670.6 (MANE Select); coding-DNA position 2420, G replaced by A.
Protein change: p.Arg807His; replaces arginine 807 with histidine.
Molecular consequence: missense variant.
Genome position (GRCh38, 1-based): chr12:8,851,969, G>A. VCF-style: chr12-8851969-G-A. GRCh37 (hg19) VCF-style: chr12-9004565-G-A.
Other names: c.947G>A, p.Arg316His (NM_001282424.3); short protein forms R807H, R316H.
Identifiers: ClinVar variation 843843 (VCV000843843.12), dbSNP rs375671514, ClinGen allele CA6436010.
Genomic context (GRCh38, chr12:8,851,969, plus strand): 5'-TCAAGCCGTTCTTTGTTGACCTGACTCTCCCTTACTCAGTAGTCCGTGGGGAATCCTTTC[G>A]TCTTACTGCCACCATCTTCAATTACCTAAAGGATTGCATCAGGGTGAGAGCTGGGGATAC-3'
Protein context (NP_653271.3, residues 797-817): PYSVVRGESF[Arg807His]LTATIFNYLK